The following is an entry in ClinVar:

ClinVar aggregate classification (germline): Uncertain significance (1 of 4 stars; one submission).

Conditions:
Retinoblastoma (RB1). Also called: RETINOBLASTOMA, SOMATIC. Identifiers: Orphanet 790, MedGen C0035335, MeSH D012175, MONDO:0008380, OMIM 180200, HP:0009919. Disease mechanism: loss of function. Inheritance: Both sporadic and heritable forms are tested..

Allele frequency attached by ClinVar (database versions not stated): gnomAD exomes below 0.00001.
gnomAD v4.1: 1 of 1,613,486 alleles (0.000062%); highest among the groups gnomAD compares: African/African-American, 0.0013%; no homozygotes.

Submission:

Labcorp Genetics (formerly Invitae), Labcorp
Classification: Uncertain significance for Retinoblastoma. Last evaluated: 2022-03-08. Review status: criteria provided, single submitter. Criteria: Invitae Variant Classification Sherloc (09022015). Collection method: clinical testing. Allele origin: germline.
Comment: This sequence change replaces valine, which is neutral and non-polar, with glycine, which is neutral and non-polar, at codon 852 of the RB1 protein (p.Val852Gly). This variant is not present in population databases (gnomAD no frequency). This variant has not been reported in the literature in individuals affected with RB1-related conditions. Algorithms developed to predict the effect of missense changes on protein structure and function (SIFT, PolyPhen-2, Align-GVGD) all suggest that this variant is likely to be disruptive. In summary, the available evidence is currently insufficient to determine the role of this variant in disease. Therefore, it has been classified as a Variant of Uncertain Significance.

NM_000321.3(RB1):c.2555T>G (p.Val852Gly)

Gene: RB1 (RB transcriptional corepressor 1; plus strand). Cytogenetic location: 13q14.2.
Variant type: single nucleotide variant.
Coding change: c.2555T>G on transcript NM_000321.3 (MANE Select); coding-DNA position 2555, T replaced by G.
Protein change: p.Val852Gly; replaces valine 852 with glycine.
Molecular consequence: missense variant.
Genome position (GRCh38, 1-based): chr13:48,476,735, T>G. VCF-style: chr13-48476735-T-G. GRCh37 (hg19) VCF-style: chr13-49050871-T-G.
Other names: c.2555T>G, p.Val852Gly (NM_001407165.1); c.5T>G, p.Val2Gly (NM_001407168.1); short protein forms V2G, V852G.
Identifiers: ClinVar variation 2064598 (VCV002064598.4), dbSNP rs2138359053, ClinGen allele CA388168265.
Genomic context (GRCh38, chr13:48,476,735, plus strand): 5'-AAAGTAAAGAATTCTGTAATTTGTAGACTTCTGAGAAGTTCCAGAAAATAAATCAGATGG[T>G]ATGTAACAGCGACCGTGTGCTCAAAAGAAGTGCTGAAGGAAGCAACCCTCCTAAACCACT-3'
Protein context (NP_000312.2, residues 842-862): SEKFQKINQM[Val852Gly]CNSDRVLKRS